The following is an entry in ClinVar:

NM_139318.5(KCNH5):c.568dup (p.Asp190fs)

Gene: KCNH5 (potassium voltage-gated channel subfamily H member 5; minus strand). Cytogenetic location: 14q23.2.
Variant type: Duplication.
Coding change: c.568dup on transcript NM_139318.5 (MANE Select); coding-DNA position 568, one base duplicated (G; older notation c.568dupG).
Protein change: p.Asp190fs; shifts the reading frame from aspartic acid 190.
Molecular consequence: frameshift variant.
Genome position (GRCh38, 1-based): chr14:62,981,246, C duplicated on the plus strand (G on the coding strand, the reverse complement: KCNH5 is on the minus strand). VCF-style (leftmost placement, unchanged base first): chr14-62981245-T-TC. GRCh37 (hg19) VCF-style: chr14-63447963-T-TC.
Other names: c.568dup, p.Asp190fs (NM_172375.3); short protein forms D190fs.
Identifiers: ClinVar variation 2869318 (VCV002869318.3), dbSNP rs773847489, ClinGen allele CA7217620.

ClinVar aggregate classification (germline): Uncertain significance (1 of 4 stars; one submission).

Conditions:
Early-infantile DEE. Also called: Ohtahara syndrome; Early infantile epileptic encephalopathy; Early infantile epileptic encephalopathy with suppression bursts. Identifiers: Orphanet 1934, MedGen C0393706, MONDO:0800491.

Allele frequency attached by ClinVar (database versions not stated): TOPMed 0.00001; gnomAD exomes below 0.00001; ExAC 0.00001; gnomAD 0.00001.

Submission:

Labcorp Genetics (formerly Invitae), Labcorp
Classification: Uncertain significance for Early-infantile DEE. Last evaluated: 2023-06-09. Review status: criteria provided, single submitter. Criteria: Invitae Variant Classification Sherloc (09022015). Collection method: clinical testing. Allele origin: germline.
Comment: In summary, the available evidence is currently insufficient to determine the role of this variant in disease. Therefore, it has been classified as a Variant of Uncertain Significance. This variant has not been reported in the literature in individuals affected with KCNH5-related conditions. This variant is present in population databases (rs773847489, gnomAD 0.0009%). This sequence change creates a premature translational stop signal (p.Asp190Glyfs*7) in the KCNH5 gene. It is expected to result in an absent or disrupted protein product. However, the current clinical and genetic evidence is not sufficient to establish whether loss-of-function variants in KCNH5 cause disease.